The following is an entry in ClinVar:

ClinVar aggregate classification (germline): Uncertain significance (1 of 4 stars; one submission).

Submission:

Labcorp Genetics (formerly Invitae), Labcorp
Classification: Uncertain significance. Last evaluated: 2022-07-21. Review status: criteria provided, single submitter. Criteria: Invitae Variant Classification Sherloc (09022015). Collection method: clinical testing. Allele origin: germline.
Comment: This sequence change replaces glutamic acid, which is acidic and polar, with lysine, which is basic and polar, at codon 195 of the LETM1 protein (p.Glu195Lys). This variant is not present in population databases (gnomAD no frequency). In summary, the available evidence is currently insufficient to determine the role of this variant in disease. Therefore, it has been classified as a Variant of Uncertain Significance. Algorithms developed to predict the effect of missense changes on protein structure and function (SIFT, PolyPhen-2, Align-GVGD) all suggest that this variant is likely to be disruptive. This variant has not been reported in the literature in individuals affected with LETM1-related conditions.

NM_012318.3(LETM1):c.583G>A (p.Glu195Lys)

Gene: LETM1 (leucine zipper and EF-hand containing transmembrane protein 1; minus strand). Cytogenetic location: 4p16.3.
Variant type: single nucleotide variant.
Coding change: c.583G>A on transcript NM_012318.3 (MANE Select); coding-DNA position 583, G replaced by A.
Protein change: p.Glu195Lys; replaces glutamic acid 195 with lysine.
Molecular consequence: missense variant.
Genome position (GRCh38, 1-based): chr4:1,841,358, C>T on the plus strand (G>A on the coding strand, the complement: LETM1 is on the minus strand). VCF-style: chr4-1841358-C-T. GRCh37 (hg19) VCF-style: chr4-1843085-C-T.
Other names: short protein forms E195K.
Identifiers: ClinVar variation 1721935 (VCV001721935.5), dbSNP rs2546876129, ClinGen allele CA356009211.